The following is an entry in ClinVar:

NM_001082971.2(DDC):c.375G>A (p.Met125Ile)

Genes: DDC (dopa decarboxylase; minus strand), DDC-AS1 (DDC antisense RNA 1; plus strand). Cytogenetic location: 7p12.1.
Variant type: single nucleotide variant.
Coding change: c.375G>A on transcript NM_001082971.2 (MANE Select); coding-DNA position 375, G replaced by A.
Protein change: p.Met125Ile; replaces methionine 125 with isoleucine.
Molecular consequence: missense variant. On other transcripts: intron variant (1).
Genome position (GRCh38, 1-based): chr7:50,537,920, C>T on the plus strand (G>A on the coding strand, the complement: DDC is on the minus strand). VCF-style: chr7-50537920-C-T. GRCh37 (hg19) VCF-style: chr7-50605618-C-T.
Other names: c.375G>A, p.Met125Ile (NM_000790.4, NM_001242887.2, NM_001242889.2 and 1 more transcripts); c.261G>A, p.Met87Ile (NM_001242886.2); c.201+5965G>A (NM_001242888.2); short protein forms M125I, M87I.
Identifiers: ClinVar variation 1977881 (VCV001977881.5), dbSNP rs201797574, ClinGen allele CA158233859.

ClinVar aggregate classification (germline): Uncertain significance (1 of 4 stars; one submission).

Conditions:
Deficiency of aromatic-L-amino-acid decarboxylase. Also called: Aromatic amino acid decarboxylase deficiency; AADC DEFICIENCY; DDC DEFICIENCY; DOPA DECARBOXYLASE DEFICIENCY; Aromatic L-Amino Acid Decarboxylase Deficiency. Identifiers: Orphanet 35708, MedGen C1291564, MONDO:0012084, OMIM 608643.

Allele frequency attached by ClinVar (database versions not stated): 1000 Genomes Project 30x 0.00016.

Submission:

Labcorp Genetics (formerly Invitae), Labcorp
Classification: Uncertain significance for Deficiency of aromatic-L-amino-acid decarboxylase. Last evaluated: 2022-09-07. Review status: criteria provided, single submitter. Criteria: Invitae Variant Classification Sherloc (09022015). Collection method: clinical testing. Allele origin: germline.
Comment: This variant has not been reported in the literature in individuals affected with DDC-related conditions. In summary, the available evidence is currently insufficient to determine the role of this variant in disease. Therefore, it has been classified as a Variant of Uncertain Significance. Algorithms developed to predict the effect of missense changes on protein structure and function are either unavailable or do not agree on the potential impact of this missense change (SIFT: "Deleterious"; PolyPhen-2: "Probably Damaging"; Align-GVGD: "Class C0"). This variant is present in population databases (rs201797574, gnomAD 0.0009%). This sequence change replaces methionine, which is neutral and non-polar, with isoleucine, which is neutral and non-polar, at codon 125 of the DDC protein (p.Met125Ile).